The following is an entry in ClinVar:

NM_000545.8(HNF1A):c.1108-4G>A

Gene: HNF1A (HNF1 homeobox A; plus strand). Cytogenetic location: 12q24.31.
Variant type: single nucleotide variant.
Coding change: c.1108-4G>A on transcript NM_000545.8 (MANE Select); 4 bases into the intron before coding-DNA position 1108, G replaced by A.
Molecular consequence: intron variant.
Genome position (GRCh38, 1-based): chr12:120,996,537, G>A. VCF-style: chr12-120996537-G-A. GRCh37 (hg19) VCF-style: chr12-121434340-G-A.
Other names: c.1108-4G>A (NM_001306179.2).
Identifiers: ClinVar variation 695395 (VCV000695395.20), dbSNP rs372892932, ClinGen allele CA6831949.

ClinVar aggregate classification (germline): Benign/Likely benign. Review status: criteria provided, multiple submitters, no conflicts (2 of 4 stars). 7 submissions from 7 submitters: Benign (1); Likely benign (6). Last evaluated 2026-10-01.

Conditions:
Diabetes mellitus type 1 (T1D). Also called: Diabetes Mellitus, Juvenile-Onset; Type I diabetes mellitus. Identifiers: MedGen C0011854, MONDO:0005147, OMIM 222100, HP:0100651.
Maturity-onset diabetes of the young type 3. Also called: MODY, type III; MODY type 3. Identifiers: Orphanet 552, MedGen C1838100, MeSH C563933, MONDO:0010894, OMIM 600496. Disease mechanism: loss of function.
Hepatic adenomas, familial. Also called: LIVER CELL ADENOMAS, FAMILIAL; HEPATIC ADENOMA, SOMATIC. Identifiers: MedGen C1840646, MONDO:0007718, OMIM 142330.
Type 1 diabetes mellitus 20 (T1D20). Also called: Diabetes mellitus, insulin-dependent, 20. Identifiers: MedGen C2675866, MONDO:0012919, OMIM 612520.
Type 2 diabetes mellitus. Also called: Type II diabetes mellitus. Identifiers: MedGen C0011860, MeSH D003924, MONDO:0005148, OMIM 125853, HP:0005978.
Nonpapillary renal cell carcinoma. Identifiers: Orphanet 422526, MedGen CN074294, MONDO:0007763, OMIM 144700.
Maturity-onset diabetes of the young (MODY). Also called: Maturity onset diabetes mellitus in young. Identifiers: Orphanet 552, MedGen C0342276, MONDO:0018911, HP:0004904.

Allele frequency attached by ClinVar (database versions not stated): ExAC 0.00020; gnomAD 0.00020; ESP Exome Variant Server 0.00023; gnomAD exomes 0.00025 and 0.00039; TOPMed 0.00032.
gnomAD v4.1: 592 of 1,613,302 alleles (0.037%); highest among the groups gnomAD compares: Non-Finnish European, 0.044%; 2 homozygotes.

Submissions (7):

CeGaT Center for Human Genetics Tuebingen
Classification: Likely benign. Last evaluated: 2026-10-01. Review status: criteria provided, single submitter. Criteria: CeGaT Center For Human Genetics Tuebingen Variant Classification Criteria Version 2. Collection method: clinical testing. Allele origin: germline. Affected: yes. Observed: 2 variant alleles.
Comment: HNF1A: BP4, BS2

Labcorp Genetics (formerly Invitae), Labcorp
Classification: Likely benign. Last evaluated: 2026-01-07. Review status: criteria provided, single submitter. Criteria: Invitae Variant Classification Sherloc (09022015). Collection method: clinical testing. Allele origin: germline.

Women's Health and Genetics/Laboratory Corporation of America, LabCorp
Classification: Likely benign. Last evaluated: 2025-04-30. Review status: criteria provided, single submitter. Criteria: LabCorp Variant Classification Summary - May 2015. Collection method: clinical testing. Allele origin: germline.
Comment: Variant summary: HNF1A c.1108-4G>A alters a nucleotide located at a position not widely known to affect splicing. Consensus agreement among computation tools predict no significant impact on normal splicing. However, these predictions have yet to be confirmed by functional studies. The variant allele was found at a frequency of 0.00025 in 249206 control chromosomes. The observed variant frequency is approximately 10.11 fold of the estimated maximal expected allele frequency for a pathogenic variant in HNF1A causing Maturity Onset Diabetes Of The Young 3 phenotype (2.5e-05). To our knowledge, no occurrence of c.1108-4G>A in individuals affected with Maturity Onset Diabetes Of The Young 3 and no experimental evidence demonstrating its impact on protein function have been reported. ClinVar contains an entry for this variant (Variation ID: 695395). Based on the evidence outlined above, the variant was classified as likely benign.

Ambry Genetics
Classification: Likely benign for Maturity-onset diabetes of the young. Last evaluated: 2024-11-14. Review status: criteria provided, single submitter. Criteria: Ambry Variant Classification Scheme 2023. Collection method: clinical testing. Allele origin: germline.

Blueprint Genetics
Classification: Likely benign. Last evaluated: 2024-09-14. Review status: criteria provided, single submitter. Criteria: ACMG Guidelines, 2015. Collection method: clinical testing. Allele origin: germline.

Fulgent Genetics
Classification: Likely benign for Type 2 diabetes mellitus; Hepatic adenomas, familial; Nonpapillary renal cell carcinoma; Diabetes mellitus type 1; Maturity-onset diabetes of the young type 3; Type 1 diabetes mellitus 20. Last evaluated: 2021-07-21. Review status: criteria provided, single submitter. Criteria: ACMG Guidelines, 2015. Collection method: clinical testing. Allele origin: unknown.

Clinical Genomics, Uppaluri K&H Personalized Medicine Clinic
Classification: Benign for Maturity-onset diabetes of the young. Review status: criteria provided, single submitter. Criteria: K & H Uppaluri Personalized Medicine Clinic Variant Classification & Assertion Criteria_Updated V.1. Collection method: research. Allele origin: unknown. Inheritance: Autosomal dominant inheritance.
Comment: Mutations in HNF1A gene can predispose to MODY3. It is associated with both micro and macrovascular complications of diabetes, especially cardiovascular complications. Associated with glucosuria. May respond well to sulfonylureas. However, more evidence is required to confer the association of this particular variant rs372892932 with MODY3.

Literature cited by the submitters: PubMed 31517624 (cited by Clinical Genomics, Uppaluri K&H Personalized Medicine Clinic); PubMed 32395877 (cited by Clinical Genomics, Uppaluri K&H Personalized Medicine Clinic); PubMed 35328643 (cited by Clinical Genomics, Uppaluri K&H Personalized Medicine Clinic); PubMed 35673428 (cited by Clinical Genomics, Uppaluri K&H Personalized Medicine Clinic).